The following is an entry in ClinVar:

NM_001378609.3(OTOGL):c.6100T>G (p.Cys2034Gly)

Gene: OTOGL (otogelin like; plus strand). Cytogenetic location: 12q21.31.
Variant type: single nucleotide variant.
Coding change: c.6100T>G on transcript NM_001378609.3 (MANE Select); coding-DNA position 6100, T replaced by G.
Protein change: p.Cys2034Gly; replaces cysteine 2034 with glycine.
Molecular consequence: missense variant.
Genome position (GRCh38, 1-based): chr12:80,358,328, T>G. VCF-style: chr12-80358328-T-G. GRCh37 (hg19) VCF-style: chr12-80752108-T-G.
Other names: c.6100T>G, p.Cys2034Gly (NM_173591.7, NM_001378610.3); c.5965T>G, p.Cys1989Gly (NM_001368062.3); short protein forms C1989G, C2034G.
Identifiers: ClinVar variation 4795736 (VCV004795736.1).

ClinVar aggregate classification (germline): Uncertain significance (1 of 4 stars; one submission).

Submission:

GeneDx
Classification: Uncertain significance. Last evaluated: 2025-08-14. Review status: criteria provided, single submitter. Criteria: GeneDx Variant Classification Process June 2021. Collection method: clinical testing. Allele origin: germline. Affected: yes.
Comment: Not observed at significant frequency in large population cohorts (gnomAD); In silico analysis supports that this missense variant has a deleterious effect on protein structure/function; Has not been previously published as pathogenic or benign to our knowledge